The following is an entry in ClinVar:

NM_000263.4(NAGLU):c.40C>A (p.Leu14Ile)

Genes: NAGLU (N-acetyl-alpha-glucosaminidase; plus strand), LOC130060903 (ATAC-STARR-seq lymphoblastoid silent region 8533; plus strand). Cytogenetic location: 17q21.2.
Variant type: single nucleotide variant.
Coding change: c.40C>A on transcript NM_000263.4 (MANE Select); coding-DNA position 40, C replaced by A.
Protein change: p.Leu14Ile; replaces leucine 14 with isoleucine.
Molecular consequence: missense variant.
Genome position (GRCh38, 1-based): chr17:42,536,312, C>A. VCF-style: chr17-42536312-C-A. GRCh37 (hg19) VCF-style: chr17-40688330-C-A.
Other names: short protein forms L14I.
Identifiers: ClinVar variation 2118506 (VCV002118506.4), dbSNP rs2510649638, ClinGen allele CA399595016.

ClinVar aggregate classification (germline): Uncertain significance (1 of 4 stars; one submission).

Conditions:
Charcot-Marie-Tooth disease axonal type 2V. Also called: CHARCOT-MARIE-TOOTH NEUROPATHY, TYPE 2V; CHARCOT-MARIE-TOOTH DISEASE, AXONAL, AUTOSOMAL DOMINANT, TYPE 2V. Identifiers: Orphanet 447964, MedGen C5569050, MONDO:0014665, OMIM 616491.
Mucopolysaccharidosis, MPS-III-B (MPS3B). Also called: N-ACETYL-ALPHA-D-GLUCOSAMINIDASE DEFICIENCY; NAGLU DEFICIENCY; SANFILIPPO SYNDROME B; MPS III B; MUCOPOLYSACCHARIDOSIS, TYPE IIIB; MPS IIIB (Sanfilippo Syndrome Type B). Identifiers: Orphanet 79270, MedGen C0086648, MONDO:0009656, OMIM 252920.

Submission:

Labcorp Genetics (formerly Invitae), Labcorp
Classification: Uncertain significance for Charcot-Marie-Tooth disease axonal type 2V; Mucopolysaccharidosis, MPS-III-B. Last evaluated: 2024-06-24. Review status: criteria provided, single submitter. Criteria: Invitae Variant Classification Sherloc (09022015). Collection method: clinical testing. Allele origin: germline.
Comment: This sequence change replaces leucine, which is neutral and non-polar, with isoleucine, which is neutral and non-polar, at codon 14 of the NAGLU protein (p.Leu14Ile). This variant is not present in population databases (gnomAD no frequency). This variant has not been reported in the literature in individuals affected with NAGLU-related conditions. ClinVar contains an entry for this variant (Variation ID: 2118506). Algorithms developed to predict the effect of missense changes on protein structure and function output the following: SIFT: "Not Available"; PolyPhen-2: "Not Available"; Align-GVGD: "Not Available". The isoleucine amino acid residue is found in multiple mammalian species, which suggests that this missense change does not adversely affect protein function. In summary, the available evidence is currently insufficient to determine the role of this variant in disease. Therefore, it has been classified as a Variant of Uncertain Significance.